The following is an entry in ClinVar:

NM_001165963.4(SCN1A):c.3726T>C (p.Ile1242=)

Genes: SCN1A (sodium voltage-gated channel alpha subunit 1; minus strand), LOC102724058 (uncharacterized LOC102724058; plus strand). Cytogenetic location: 2q24.3.
Variant type: single nucleotide variant.
Coding change: c.3726T>C on transcript NM_001165963.4 (MANE Select); coding-DNA position 3726, T replaced by C.
Protein change: p.Ile1242=; no amino-acid change (isoleucine 1242 retained).
Molecular consequence: synonymous variant. On other transcripts: non-coding transcript variant (1).
Genome position (GRCh38, 1-based): chr2:166,012,262, A>G on the plus strand (T>C on the coding strand, the complement: SCN1A is on the minus strand). VCF-style: chr2-166012262-A-G. GRCh37 (hg19) VCF-style: chr2-166868772-A-G.
Other names: c.3642T>C, p.Ile1214= (NM_001165964.3, NM_001353957.2, NM_001353958.2); c.3726T>C, p.Ile1242= (NM_001202435.3, NM_001353948.2); c.3693T>C, p.Ile1231= (NM_001353949.2, NM_001353950.2, NM_001353951.2 and 2 more transcripts); c.3690T>C, p.Ile1230= (NM_001353954.2, NM_001353955.2); c.3639T>C, p.Ile1213= (NM_001353960.2); c.1284T>C, p.Ile428= (NM_001353961.2).
Identifiers: ClinVar variation 1117389 (VCV001117389.18), dbSNP rs760181074, ClinGen allele CA1942892.

ClinVar aggregate classification (germline): Benign/Likely benign. Review status: criteria provided, multiple submitters, no conflicts (2 of 4 stars). 4 submissions from 4 submitters: Benign (1); Likely benign (3). Last evaluated 2026-01-01.

Conditions:
Inborn genetic diseases. Identifiers: MedGen C0950123, MeSH D030342.
Early-infantile DEE. Also called: Early infantile epileptic encephalopathy; Ohtahara syndrome; Early infantile epileptic encephalopathy with suppression bursts. Identifiers: Orphanet 1934, MedGen C0393706, MONDO:0800491.

Allele frequency attached by ClinVar (database versions not stated): ExAC 0.00001; gnomAD exomes 0.00002 and 0.00013; gnomAD 0.00003 and 0.00004; TOPMed 0.00004.
gnomAD v4.1: 191 of 1,608,514 alleles (0.012%); highest among the groups gnomAD compares: Non-Finnish European, 0.016%; no homozygotes.

Submissions (4):

CeGaT Center for Human Genetics Tuebingen
Classification: Likely benign. Last evaluated: 2026-01-01. Review status: criteria provided, single submitter. Criteria: CeGaT Center For Human Genetics Tuebingen Variant Classification Criteria Version 2. Collection method: clinical testing. Allele origin: germline. Affected: yes. Observed: 1 variant allele.
Comment: SCN1A: BP4, BP7

Labcorp Genetics (formerly Invitae), Labcorp
Classification: Likely benign for Early-infantile DEE. Last evaluated: 2026-01-01. Review status: criteria provided, single submitter. Criteria: Invitae Variant Classification Sherloc (09022015). Collection method: clinical testing. Allele origin: germline.

Ambry Genetics
Classification: Likely benign for Inborn genetic diseases. Last evaluated: 2018-01-19. Review status: criteria provided, single submitter. Criteria: Ambry Variant Classification Scheme 2023. Collection method: clinical testing. Allele origin: germline.

GeneDx
Classification: Benign. Last evaluated: 2015-03-24. Review status: criteria provided, single submitter. Criteria: GeneDx Variant Classification Process June 2021. Collection method: clinical testing. Allele origin: germline. Affected: yes.